The following is an entry in ClinVar:

ClinVar aggregate classification (germline): Benign/Likely benign. Review status: criteria provided, multiple submitters, no conflicts (2 of 4 stars). 6 submissions from 6 submitters: Benign (2); Likely benign (4). Last evaluated 2026-01-28.

Conditions:
Imerslund-Grasbeck syndrome. Also called: ENTEROCYTE COBALAMIN MALABSORPTION; ENTEROCYTE INTRINSIC FACTOR RECEPTOR, DEFECT OF; Imerslund-Gräsbeck syndrome; PERNICIOUS ANEMIA, JUVENILE, DUE TO SELECTIVE INTESTINAL MALABSORPTION OF VITAMIN B12, WITH PROTEINURIA; Megaloblastic anemia due to inborn errors of metabolism. Identifiers: Orphanet 35858, MedGen C4551825, MONDO:0009853.
Imerslund-Grasbeck syndrome type 1 (IGS1). Also called: Megaloblastic anemia 1, Finnish type; MEGALOBLASTIC ANEMIA, 1; Imerslund-Gräsbeck syndrome 1. Identifiers: MedGen C4016819, MONDO:0100156, OMIM 261100.

Allele frequency attached by ClinVar (database versions not stated): gnomAD 0.00534 and 0.00561; TOPMed 0.00630; ESP Exome Variant Server 0.00684; 1000 Genomes Project 0.00799; 1000 Genomes Project 30x 0.00843.
gnomAD v4.1: 1,627 of 1,611,580 alleles (0.1%); highest among the groups gnomAD compares: African/African-American, 1.9%; 15 homozygotes.

Submissions (6):

Labcorp Genetics (formerly Invitae), Labcorp
Classification: Benign for Imerslund-Grasbeck syndrome. Last evaluated: 2026-01-28. Review status: criteria provided, single submitter. Criteria: Invitae Variant Classification Sherloc (09022015). Collection method: clinical testing. Allele origin: germline.

Mayo Clinic Laboratories, Mayo Clinic
Classification: Likely benign. Last evaluated: 2024-12-23. Review status: criteria provided, single submitter. Criteria: ACMG Guidelines, 2015. Collection method: clinical testing. Allele origin: germline. Observed: 4 variant alleles.
Comment: BS1, BP4, BP7

Blueprint Genetics
Classification: Likely benign. Last evaluated: 2024-10-23. Review status: criteria provided, single submitter. Criteria: ACMG Guidelines, 2015. Collection method: clinical testing. Allele origin: germline.

GeneDx
Classification: Likely benign. Last evaluated: 2020-10-13. Review status: criteria provided, single submitter. Criteria: GeneDx Variant Classification Process June 2021. Collection method: clinical testing. Allele origin: germline. Affected: yes.

Illumina Laboratory Services, Illumina
Classification: Benign for Imerslund-Grasbeck syndrome type 1. Last evaluated: 2018-01-13. Review status: criteria provided, single submitter. Criteria: ICSL Variant Classification Criteria 13 December 2019. Collection method: clinical testing. Allele origin: germline.
Comment: This variant was observed in the ICSL laboratory as part of a predisposition screen in an ostensibly healthy population. It had not been previously curated by ICSL or reported in the Human Gene Mutation Database (HGMD: prior to June 1st, 2018), and was therefore a candidate for classification through an automated scoring system. Utilizing variant allele frequency, disease prevalence and penetrance estimates, and inheritance mode, an automated score was calculated to assess if this variant is too frequent to cause the disease. Based on the score and internal cut-off values, a variant classified as benign is not then subjected to further curation. The score for this variant resulted in a classification of benign for this disease.

Breakthrough Genomics
Classification: Likely benign. Review status: criteria provided, single submitter. Criteria: ACMG Guidelines, 2015. Collection method: not provided. Allele origin: germline. Inheritance: Autosomal recessive inheritance. Affected: yes.

NM_001081.4(CUBN):c.2445C>T (p.Val815=)

Gene: CUBN (cubilin; minus strand). Cytogenetic location: 10p13.
Variant type: single nucleotide variant.
Coding change: c.2445C>T on transcript NM_001081.4 (MANE Select); coding-DNA position 2445, C replaced by T.
Protein change: p.Val815=; no amino-acid change (valine 815 retained).
Molecular consequence: synonymous variant.
Genome position (GRCh38, 1-based): chr10:17,071,828, G>A on the plus strand (C>T on the coding strand, the complement: CUBN is on the minus strand). VCF-style: chr10-17071828-G-A. GRCh37 (hg19) VCF-style: chr10-17113827-G-A.
Other names: p.Val815=.
Identifiers: ClinVar variation 299509 (VCV000299509.19), dbSNP rs116350428, ClinGen allele CA5424990.